The following is an entry in ClinVar:

ClinVar aggregate classification (germline): Uncertain significance (1 of 4 stars; one submission).

Allele frequency attached by ClinVar (database versions not stated): gnomAD exomes below 0.00001.
gnomAD v4.1: 1 of 1,612,860 alleles (0.000062%); highest among the groups gnomAD compares: Admixed American, 0.0017%; no homozygotes.

Submission:

Labcorp Genetics (formerly Invitae), Labcorp
Classification: Uncertain significance. Last evaluated: 2021-12-24. Review status: criteria provided, single submitter. Criteria: Invitae Variant Classification Sherloc (09022015). Collection method: clinical testing. Allele origin: germline.
Comment: This sequence change replaces alanine, which is neutral and non-polar, with serine, which is neutral and polar, at codon 257 of the OSGEP protein (p.Ala257Ser). This variant is not present in population databases (gnomAD no frequency). This variant has not been reported in the literature in individuals affected with OSGEP-related conditions. Algorithms developed to predict the effect of missense changes on protein structure and function (SIFT, PolyPhen-2, Align-GVGD) all suggest that this variant is likely to be tolerated. In summary, the available evidence is currently insufficient to determine the role of this variant in disease. Therefore, it has been classified as a Variant of Uncertain Significance.

NM_017807.4(OSGEP):c.769G>T (p.Ala257Ser)

Gene: OSGEP (O-sialoglycoprotein endopeptidase; minus strand). Cytogenetic location: 14q11.2.
Variant type: single nucleotide variant.
Coding change: c.769G>T on transcript NM_017807.4 (MANE Select); coding-DNA position 769, G replaced by T.
Protein change: p.Ala257Ser; replaces alanine 257 with serine.
Molecular consequence: missense variant.
Genome position (GRCh38, 1-based): chr14:20,447,928, C>A on the plus strand (G>T on the coding strand, the complement: OSGEP is on the minus strand). VCF-style: chr14-20447928-C-A. GRCh37 (hg19) VCF-style: chr14-20916087-C-A.
Other names: short protein forms A257S.
Identifiers: ClinVar variation 2056511 (VCV002056511.4), dbSNP rs2501747706, ClinGen allele CA389118432.
Genomic context (GRCh38, chr14:20,447,928, plus strand): 5'-GAATAGGAAAGAGGAACACTTTTCAATAATACATACACCCCACTCCTCCCACAATGAGGG[C>A]CTCCTGGGAGCCACAATGTGCCATGGCTCGCTCTGTGATCTCTACCAGCATTGCAAACAC-3'
Protein context (NP_060277.1, residues 247-267): RAMAHCGSQE[Ala257Ser]LIVGGVGCNV